The following is an entry in ClinVar:

ClinVar aggregate classification (germline): Pathogenic (1 of 4 stars; one submission).
ClinVar aggregate classification (oncogenicity): Likely oncogenic (1 of 4 stars; one submission).

Conditions:
Neoplasm. Also called: Neoplasms; Neoplasm (disease); tumor. Identifiers: MedGen C0027651, MeSH D009369, MONDO:0005070, HP:0002664.

Submissions (2):

Center for Genomic Medicine, Rigshospitalet, Copenhagen University Hospital
Classification: Likely oncogenic for Neoplasm. Last evaluated: 2025-03-04. Review status: criteria provided, single submitter. Criteria: ClinGen/CGC/VICC Guidelines for Oncogenicity, 2022. Collection method: clinical testing. Allele origin: somatic. Affected: yes.

GeneDx
Classification: Pathogenic. Last evaluated: 2016-05-12. Review status: criteria provided, single submitter. Criteria: GeneDx Variant Classification (06012015). Collection method: clinical testing. Allele origin: germline. Affected: yes.
Comment: The c.13999+1G>A pathogenic variant in the KMT2D gene has not been reported previously as a pathogenic variant nor as a benign variant, to our knowledge. This splice site variant destroys the canonical splice donor site in intron 42. It is predicted to cause abnormal gene splicing, either leading to an abnormal message that is subject to nonsense-mediated mRNA decay, or to an abnormal protein product if the message is used for protein translation. The c.13999+1G>A variant was not observed in approximately 6100 individuals of European and African American ancestry in the NHLBI Exome Sequencing Project, indicating it is not a common benign variant in these populations. We interpret c.13999+1G>A as a pathogenic variant, consistent with a diagnosis of Kabuki syndrome

NM_003482.4(KMT2D):c.13999+1G>A

Gene: KMT2D (lysine methyltransferase 2D; minus strand). Cytogenetic location: 12q13.12.
Variant type: single nucleotide variant.
Coding change: c.13999+1G>A on transcript NM_003482.4 (MANE Select); the canonical splice donor site of the intron after coding-DNA position 13999, G replaced by A.
Molecular consequence: splice donor variant.
Genome position (GRCh38, 1-based): chr12:49,030,279, C>T on the plus strand (G>A on the coding strand, the complement: KMT2D is on the minus strand). VCF-style: chr12-49030279-C-T. GRCh37 (hg19) VCF-style: chr12-49424062-C-T.
Identifiers: ClinVar variation 280605 (VCV000280605.3), dbSNP rs886041779, ClinGen allele CA10603307.
Genomic context (GRCh38, chr12:49,030,279, plus strand): 5'-CTAACTGGTTTGGACTCCAGCTACCAAACTCCACCAGGGGTGGCATCTGCTCTTGACTTA[C>T]CCCTCAGTGCCCTTTCACTATCCCGGGCAGAGGCAGCATCCTTGGGGTGCTCCCCCAGCT-3'